The following is an entry in ClinVar:

NM_014629.4(ARHGEF10):c.3705T>C (p.Gly1235=)

Gene: ARHGEF10 (Rho guanine nucleotide exchange factor 10; plus strand). Cytogenetic location: 8p23.3.
Variant type: single nucleotide variant.
Coding change: c.3705T>C on transcript NM_014629.4 (MANE Select); coding-DNA position 3705, T replaced by C.
Protein change: p.Gly1235=; no amino-acid change (glycine 1235 retained).
Molecular consequence: synonymous variant.
Genome position (GRCh38, 1-based): chr8:1,956,933, T>C. VCF-style: chr8-1956933-T-C. GRCh37 (hg19) VCF-style: chr8-1905099-T-C.
Other names: c.3591T>C, p.Gly1197= (NM_001308152.2); c.3705T>C, p.Gly1235= (NM_001308153.3).
Identifiers: ClinVar variation 715006 (VCV000715006.11), dbSNP rs141587375, ClinGen allele CA4601467.
Genomic context (GRCh38, chr8:1,956,933, plus strand): 5'-GGACGAAGACCAGAAGGACGCACTTCCGAGTGGAGGAGCTGGTTCATCTCTGAGCCAGGG[T>C]GACCCTGACGCAGCCATCTGGTTGGGAGATTCGCTGGGATCGATGACTCAGAAAAGCGAC-3'
Protein context (NP_055444.2, residues 1225-1245): SGGAGSSLSQ[Gly1235=]DPDAAIWLGD

ClinVar aggregate classification (germline): Benign. Review status: criteria provided, multiple submitters, no conflicts (2 of 4 stars). 3 submissions from 3 submitters: Benign (3). Last evaluated 2026-05-03.

Conditions:
ARHGEF10-related disorder. Also called: ARHGEF10-related condition.

Allele frequency attached by ClinVar (database versions not stated): 1000 Genomes Project 30x 0.00468; 1000 Genomes Project 0.00559; gnomAD 0.00650; TOPMed 0.00714; ESP Exome Variant Server 0.00746.
gnomAD v4.1: 1,893 of 1,614,158 alleles (0.12%); highest among the groups gnomAD compares: African/African-American, 2.2%; 27 homozygotes.

Submissions (3):

PreventionGenetics, part of Exact Sciences
Classification: Benign for ARHGEF10-related condition. Last evaluated: 2026-05-03. Review status: criteria provided, single submitter. Criteria: ACMG Guidelines, 2015. Collection method: clinical testing. Allele origin: germline.
Comment: This variant is classified as benign based on ACMG/AMP sequence variant interpretation guidelines (Richards et al. 2015 PMID: 25741868, with internal and published modifications).

Labcorp Genetics (formerly Invitae), Labcorp
Classification: Benign. Last evaluated: 2026-02-02. Review status: criteria provided, single submitter. Criteria: Invitae Variant Classification Sherloc (09022015). Collection method: clinical testing. Allele origin: germline.

Breakthrough Genomics
Classification: Benign. Review status: criteria provided, single submitter. Criteria: ACMG Guidelines, 2015. Collection method: not provided. Allele origin: germline. Inheritance: Autosomal dominant inheritance. Affected: yes.